The following is an entry in ClinVar:

ClinVar aggregate classification (germline): Uncertain significance (1 of 4 stars; one submission).

gnomAD v4.1: 6 of 1,614,168 alleles (0.00037%); highest among the groups gnomAD compares: Non-Finnish European, 0.00051%; no homozygotes.

Submission:

Labcorp Genetics (formerly Invitae), Labcorp
Classification: Uncertain significance. Last evaluated: 2025-04-10. Review status: criteria provided, single submitter. Criteria: Invitae Variant Classification Sherloc (09022015). Collection method: clinical testing. Allele origin: germline.
Comment: This sequence change replaces tyrosine, which is neutral and polar, with cysteine, which is neutral and slightly polar, at codon 48 of the PSMG2 protein (p.Tyr48Cys). This variant is not present in population databases (gnomAD no frequency). This variant has not been reported in the literature in individuals affected with PSMG2-related conditions. An algorithm developed to predict the effect of missense changes on protein structure and function (PolyPhen-2) suggests that this variant is likely to be tolerated. In summary, the available evidence is currently insufficient to determine the role of this variant in disease. Therefore, it has been classified as a Variant of Uncertain Significance.

NM_020232.5(PSMG2):c.143A>G (p.Tyr48Cys)

Gene: PSMG2 (proteasome assembly chaperone 2; plus strand). Cytogenetic location: 18p11.21.
Variant type: single nucleotide variant.
Coding change: c.143A>G on transcript NM_020232.5 (MANE Select); coding-DNA position 143, A replaced by G.
Protein change: p.Tyr48Cys; replaces tyrosine 48 with cysteine.
Molecular consequence: missense variant.
Genome position (GRCh38, 1-based): chr18:12,706,635, A>G. VCF-style: chr18-12706635-A-G. GRCh37 (hg19) VCF-style: chr18-12706634-A-G.
Other names: c.50A>G, p.Tyr17Cys (NM_147163.2); short protein forms Y17C, Y48C.
Identifiers: ClinVar variation 4700942 (VCV004700942.1).
Genomic context (GRCh38, chr18:12,706,635, plus strand): 5'-GCCAGCTTGCAATGGATCTGATTATTTCTACACTGAATATGTCTAAGATTGGTTACTTCT[A>G]TACCGATTGTCTTGTGCCAATGGTTGGAAACAATCCATATGCGACCACAGAAGGAAATTC-3'
Protein context (NP_064617.2, residues 38-58): TLNMSKIGYF[Tyr48Cys]TDCLVPMVGN